The following is an entry in ClinVar:

NM_005912.3(MC4R):c.842T>C (p.Met281Thr)

Gene: MC4R (melanocortin 4 receptor; minus strand). Cytogenetic location: 18q21.32.
Variant type: single nucleotide variant.
Coding change: c.842T>C on transcript NM_005912.3 (MANE Select); coding-DNA position 842, T replaced by C.
Protein change: p.Met281Thr; replaces methionine 281 with threonine.
Molecular consequence: missense variant.
Genome position (GRCh38, 1-based): chr18:60,371,508, A>G on the plus strand (T>C on the coding strand, the complement: MC4R is on the minus strand). VCF-style: chr18-60371508-A-G. GRCh37 (hg19) VCF-style: chr18-58038741-A-G.
Other names: short protein forms M281T.
Identifiers: ClinVar variation 3029040 (VCV003029040.3), dbSNP rs2511560052, ClinGen allele CA402718962.

ClinVar aggregate classification (germline): Uncertain significance. Review status: criteria provided, single submitter (1 of 4 stars). 2 submissions from 2 submitters: Uncertain significance (1). 1 of the submissions does not count toward it. Last evaluated 2023-12-01.

Conditions:
MC4R-related disorder. Also called: MC4R-related condition.

Submissions (2):

GeneDx
Classification: Uncertain significance. Last evaluated: 2023-12-01. Review status: criteria provided, single submitter. Criteria: GeneDx Variant Classification Process June 2021. Collection method: clinical testing. Allele origin: germline. Affected: yes.
Comment: Not observed at significant frequency in large population cohorts (gnomAD); In silico analysis supports that this missense variant does not alter protein structure/function; Has not been previously reported in an individual with an MC4R-related disorder; This variant is associated with the following publications: (PMID: 10358030)

PreventionGenetics, part of Exact Sciences
Classification: Uncertain significance for MC4R-related condition. Last evaluated: 2023-12-12. Review status: no assertion criteria provided. Collection method: clinical testing. Allele origin: germline. Not counted in ClinVar's aggregate classification.
Comment: The MC4R c.842T>C variant is predicted to result in the amino acid substitution p.Met281Thr. To our knowledge, this variant has not been reported in literature or in a large population database indicating this variant is rare. At this time, the clinical significance of this variant is uncertain due to the absence of conclusive functional and genetic evidence.